The following is an entry in ClinVar:

NM_152564.5(VPS13B):c.10414T>C (p.Tyr3472His)

Gene: VPS13B (vacuolar protein sorting 13 homolog B; plus strand). Cytogenetic location: 8q22.2.
Variant type: single nucleotide variant.
Coding change: c.10414T>C on transcript NM_152564.5 (MANE Select); coding-DNA position 10414, T replaced by C.
Protein change: p.Tyr3472His; replaces tyrosine 3472 with histidine.
Molecular consequence: missense variant.
Genome position (GRCh38, 1-based): chr8:99,853,803, T>C. VCF-style: chr8-99853803-T-C. GRCh37 (hg19) VCF-style: chr8-100866031-T-C.
Other names: c.10489T>C, p.Tyr3497His (NM_017890.5); short protein forms Y3472H, Y3497H.
Identifiers: ClinVar variation 1041039 (VCV001041039.7), dbSNP rs1816414341, ClinGen allele CA371782781.

ClinVar aggregate classification (germline): Uncertain significance (1 of 4 stars; one submission).

Conditions:
Cohen syndrome (COH1). Also called: PEPPER SYNDROME; Cutis verticis gyrata, retinitis pigmentosa, and sensorineural deafness. Identifiers: Orphanet 193, MedGen C0265223, MONDO:0008999, OMIM 216550.

Submission:

Labcorp Genetics (formerly Invitae), Labcorp
Classification: Uncertain significance for Cohen syndrome. Last evaluated: 2024-11-18. Review status: criteria provided, single submitter. Criteria: Invitae Variant Classification Sherloc (09022015). Collection method: clinical testing. Allele origin: germline.
Comment: This sequence change replaces tyrosine, which is neutral and polar, with histidine, which is basic and polar, at codon 3497 of the VPS13B protein (p.Tyr3497His). This variant is not present in population databases (gnomAD no frequency). This variant has not been reported in the literature in individuals affected with VPS13B-related conditions. ClinVar contains an entry for this variant (Variation ID: 1041039). Invitae Evidence Modeling of protein sequence and biophysical properties (such as structural, functional, and spatial information, amino acid conservation, physicochemical variation, residue mobility, and thermodynamic stability) indicates that this missense variant is not expected to disrupt VPS13B protein function with a negative predictive value of 80%. In summary, the available evidence is currently insufficient to determine the role of this variant in disease. Therefore, it has been classified as a Variant of Uncertain Significance.